The following is an entry in ClinVar:

NM_017721.5(CC2D1A):c.2168G>A (p.Arg723His)

Gene: CC2D1A (coiled-coil and C2 domain containing 1A; plus strand). Cytogenetic location: 19p13.12.
Variant type: single nucleotide variant.
Coding change: c.2168G>A on transcript NM_017721.5 (MANE Select); coding-DNA position 2168, G replaced by A.
Protein change: p.Arg723His; replaces arginine 723 with histidine.
Molecular consequence: missense variant.
Genome position (GRCh38, 1-based): chr19:13,927,020, G>A. VCF-style: chr19-13927020-G-A. GRCh37 (hg19) VCF-style: chr19-14037833-G-A.
Other names: c.2168G>A, p.Arg723His (NM_001411138.1); short protein forms R723H.
Identifiers: ClinVar variation 2403295 (VCV002403295.4), dbSNP rs34024422, ClinGen allele CA9244965.

ClinVar aggregate classification (germline): Uncertain significance. Review status: criteria provided, multiple submitters, no conflicts (2 of 4 stars). 3 submissions from 3 submitters: Uncertain significance (3). Last evaluated 2024-11-06.

Conditions:
Inborn genetic diseases. Identifiers: MedGen C0950123, MeSH D030342.

Allele frequency attached by ClinVar (database versions not stated): ExAC 0.00002; TOPMed 0.00004; gnomAD 0.00005; gnomAD exomes 0.00005.
gnomAD v4.1: 82 of 1,614,098 alleles (0.0051%); highest among the groups gnomAD compares: Middle Eastern, 0.066%; no homozygotes.

Submissions (3):

Blueprint Genetics
Classification: Uncertain significance. Last evaluated: 2024-11-06. Review status: criteria provided, single submitter. Criteria: ACMG Guidelines, 2015. Collection method: clinical testing. Allele origin: germline.

Greenwood Genetic Center Diagnostic Laboratories, Greenwood Genetic Center
Classification: Uncertain significance. Last evaluated: 2023-02-24. Review status: criteria provided, single submitter. Criteria: ACMG Guidelines, 2015. Collection method: clinical testing. Allele origin: germline. Affected: yes.
Comment: PM2, PP3

Ambry Genetics
Classification: Uncertain significance for Inborn genetic diseases. Last evaluated: 2022-12-02. Review status: criteria provided, single submitter. Criteria: Ambry Variant Classification Scheme 2023. Collection method: clinical testing. Allele origin: germline.